The following is an entry in ClinVar:

ClinVar aggregate classification (germline): Uncertain significance (1 of 4 stars; one submission).

Submission:

Labcorp Genetics (formerly Invitae), Labcorp
Classification: Uncertain significance. Last evaluated: 2023-08-11. Review status: criteria provided, single submitter. Criteria: Invitae Variant Classification Sherloc (09022015). Collection method: clinical testing. Allele origin: germline.
Comment: In summary, the available evidence is currently insufficient to determine the role of this variant in disease. Therefore, it has been classified as a Variant of Uncertain Significance. Advanced modeling of protein sequence and biophysical properties (such as structural, functional, and spatial information, amino acid conservation, physicochemical variation, residue mobility, and thermodynamic stability) has been performed at Invitae for this missense variant, however the output from this modeling did not meet the statistical confidence thresholds required to predict the impact of this variant on COL10A1 protein function. This variant has not been reported in the literature in individuals affected with COL10A1-related conditions. This variant is not present in population databases (gnomAD no frequency). This sequence change replaces valine, which is neutral and non-polar, with leucine, which is neutral and non-polar, at codon 16 of the COL10A1 protein (p.Val16Leu).

NM_000493.4(COL10A1):c.46G>C (p.Val16Leu)

Genes: COL10A1 (collagen type X alpha 1 chain; minus strand), NT5DC1 (5'-nucleotidase domain containing 1; plus strand). Cytogenetic location: 6q22.1.
Variant type: single nucleotide variant.
Coding change: c.46G>C on transcript NM_000493.4 (MANE Select); coding-DNA position 46, G replaced by C.
Protein change: p.Val16Leu; replaces valine 16 with leucine.
Molecular consequence: missense variant. On other transcripts: intron variant (1).
Genome position (GRCh38, 1-based): chr6:116,125,447, C>G on the plus strand (G>C on the coding strand, the complement: COL10A1 is on the minus strand). VCF-style: chr6-116125447-C-G. GRCh37 (hg19) VCF-style: chr6-116446610-C-G.
Other names: c.46G>C, p.Val16Leu (NM_001424106.1, NM_001424107.1); c.529+7502C>G (NM_152729.3); short protein forms V16L.
Identifiers: ClinVar variation 2752015 (VCV002752015.3), dbSNP rs2114308629, ClinGen allele CA365398600.
Genomic context (GRCh38, chr6:116,125,447, plus strand): 5'-GTAGTGGGCCTTTTATGCCTGTGGGCATTTGGTATCGTTCAGCGTAAAACACTCCATGAA[C>G]CAAGTTCAAGGATACTAGCAGCAAAAAGGGTATTTGTGGCAGCATATTCTCAGATGGATT-3'
Protein context (NP_000484.2, residues 6-26): PFLLLVSLNL[Val16Leu]HGVFYAERYQ